The following is an entry in ClinVar:

ClinVar aggregate classification (germline): Uncertain significance (1 of 4 stars; one submission).

Submission:

Biesecker Lab/Clinical Genomics Section, National Institutes of Health
Classification: Uncertain significance. Last evaluated: 2013-06-24. Review status: criteria provided, single submitter. Criteria: Ng et al. (Circ Cardiovasc Genet. 2013). Collection method: research. Allele origin: unknown. Observed: 1 variant allele. Study: ClinSeq.
Comment: The study set was not selected for affection status in relation to any cancer. Pathogenicity categories were based on literature curation. See Pubmed ID:23861362 for details.

Medical sequencing

NM_133379.5(TTN):c.14844_14845del (p.Val4948_Tyr4949insTer)

Genes: TTN (titin; minus strand), LOC126806432 (CDK7 strongly-dependent group 2 enhancer GRCh37_chr2:179611985-179613184; plus strand). Cytogenetic location: 2q31.2.
Variant type: Microsatellite.
Coding change: c.14844_14845del on transcript NM_133379.5 (MANE Plus Clinical); coding-DNA positions 14844 to 14845, 2 bases deleted (GT; older notation c.14844_14845delGT).
Protein change: p.Val4948_Tyr4949insTer.
Molecular consequence: frameshift variant. On other transcripts: intron variant (6).
Genome position (GRCh38, 1-based): chr2:178,747,555-178,747,556, AC deleted on the plus strand (GT on the coding strand, the reverse complement: TTN is on the minus strand); deleting any 2 consecutive bases within chr2:178,747,555-178,747,559 gives the same sequence; the c. name uses the placement nearest the transcript's 3' end. VCF-style (leftmost placement, unchanged base first): chr2-178747554-TAC-T. GRCh37 (hg19) VCF-style: chr2-179612281-TAC-T.
Other names: c.10222+5568_10222+5569del (NM_003319.4); c.10798+5568_10798+5569del (NM_133437.4); c.10597+5568_10597+5569del (NM_133432.3); c.10360+5568_10360+5569del (NM_133378.4, NM_001256850.1); c.11311+5568_11311+5569del (NM_001267550.2); c.10360+5565_10360+5566del (NM_133378.4).
Identifiers: ClinVar variation 192048 (VCV000192048.1), dbSNP rs786205402, ClinGen allele CA238183.